The following is an entry in ClinVar:

NM_000322.5(PRPH2):c.661C>T (p.Pro221Ser)

Gene: PRPH2 (peripherin 2; minus strand). Cytogenetic location: 6p21.1.
Variant type: single nucleotide variant.
Coding change: c.661C>T on transcript NM_000322.5 (MANE Select); coding-DNA position 661, C replaced by T.
Protein change: p.Pro221Ser; replaces proline 221 with serine.
Molecular consequence: missense variant.
Genome position (GRCh38, 1-based): chr6:42,704,532, G>A on the plus strand (C>T on the coding strand, the complement: PRPH2 is on the minus strand). VCF-style: chr6-42704532-G-A. GRCh37 (hg19) VCF-style: chr6-42672270-G-A.
Other names: short protein forms P221S.
Identifiers: ClinVar variation 2430832 (VCV002430832.1), dbSNP rs777534414, ClinGen allele CA3808556.
Genomic context (GRCh38, chr6:42,704,532, plus strand): 5'-CCGTCTGGTGGTCGTAACTGTAGTGTGCTGAGTTGTTGGTGATCTGATACTGGATGCAGG[G>A]CCGTGGCGAGCTAGGATTGCAGCAGCTGAAAGGGACGCCGTCCACCAGGTACCGCCCATC-3'
Protein context (NP_000313.2, residues 211-231): FSCCNPSSPR[Pro221Ser]CIQYQITNNS

ClinVar aggregate classification (germline): Uncertain significance (1 of 4 stars; one submission).

Allele frequency attached by ClinVar (database versions not stated): ExAC 0.00001.
gnomAD v4.1: 1 of 1,614,204 alleles (0.000062%); highest among the groups gnomAD compares: East Asian, 0.0022%; no homozygotes.

Submission:

GeneDx
Classification: Uncertain significance. Last evaluated: 2022-08-22. Review status: criteria provided, single submitter. Criteria: GeneDx Variant Classification Process June 2021. Collection method: clinical testing. Allele origin: germline. Affected: yes.
Comment: Not observed at significant frequency in large population cohorts (gnomAD); In silico analysis supports that this missense variant has a deleterious effect on protein structure/function; Has not been previously published as pathogenic or benign to our knowledge